The following is an entry in ClinVar:

ClinVar aggregate classification (germline): Likely pathogenic (1 of 4 stars; one submission).

Conditions:
Fabry disease. Also called: ALPHA-GALACTOSIDASE A DEFICIENCY; ANDERSON-FABRY DISEASE; CERAMIDE TRIHEXOSIDASE DEFICIENCY; GLA DEFICIENCY; HEREDITARY DYSTOPIC LIPIDOSIS; Angiokeratoma corporis diffusum. Identifiers: Orphanet 324, MedGen C0002986, MONDO:0010526, OMIM 301500, HP:0001071. Disease mechanism: Fabry disease is due to inactivating mutations in the X-linked GLA gene resulting in deficiency of the enzyme Alpha Galactosidase-A., loss of function.

Submission:

Genomenon, Inc
Classification: Likely pathogenic for Fabry disease. Last evaluated: 2026-09-08. Review status: criteria provided, single submitter. Criteria: Genomenon Sequence Variant Interpretation Standards - Updated. Collection method: curation. Allele origin: germline. Affected: no.
Comment: GLA p.Lys213SerfsTer27 (c.638del) is a frameshift variant that is predicted to introduce a premature termination codon and result in a truncated or absent protein product. This variant has been reported in the published literature (PMID:30988410). It is absent or not present at a significant frequency in gnomAD. In conclusion, we classify GLA p.Lys213SerfsTer27 (c.638del) as a likely pathogenic variant.

Literature cited by the submitters: PubMed 30988410.

NM_000169.3(GLA):c.638del (p.Lys213fs)

Genes: GLA (galactosidase alpha; minus strand), RPL36A-HNRNPH2 (RPL36A-HNRNPH2 readthrough; plus strand). Cytogenetic location: Xq22.1.
Variant type: Deletion.
Coding change: c.638del on transcript NM_000169.3 (MANE Select); coding-DNA position 638, one base deleted (A; older notation c.638delA).
Protein change: p.Lys213fs; shifts the reading frame from lysine 213.
Molecular consequence: frameshift variant. On other transcripts: non-coding transcript variant (2), intron variant (2).
Genome position (GRCh38, 1-based): chrX:101,400,667, T deleted on the plus strand (A on the coding strand, the reverse complement: GLA is on the minus strand); the first of 4 consecutive T bases (chrX:101,400,667-101,400,670); deleting any one gives the same sequence. VCF-style (leftmost placement, unchanged base first): chrX-101400666-CT-C. GRCh37 (hg19) VCF-style: chrX-100655654-CT-C.
Other names: c.761del, p.Lys254fs (NM_001406747.1); c.638del, p.Lys213fs (NM_001406748.1); c.300+5213del (NM_001199973.2); c.177+8848del (NM_001199974.2); short protein forms K213fs, K254fs.
Identifiers: ClinVar variation 4086987 (VCV004086987.2).
Genomic context (GRCh38, chrX:101,400,666, plus strand): 5'-TTTGTTGTCAAGTTCTATCTATCAGTACAGTTCTATTGGATTCTGGGCTCACTATCTCAC[CT>C]TTTGAAAGGGCCACATATAAAGAGGCCACTCACAGGAGTACACAATGCTTCTGCCAGTCC-3'